The following is an entry in ClinVar:

NM_014795.4(ZEB2):c.2419T>A (p.Ser807Thr)

Gene: ZEB2 (zinc finger E-box binding homeobox 2; minus strand). Cytogenetic location: 2q22.3.
Variant type: single nucleotide variant.
Coding change: c.2419T>A on transcript NM_014795.4 (MANE Select); coding-DNA position 2419, T replaced by A.
Protein change: p.Ser807Thr; replaces serine 807 with threonine.
Molecular consequence: missense variant.
Genome position (GRCh38, 1-based): chr2:144,398,768, A>T on the plus strand (T>A on the coding strand, the complement: ZEB2 is on the minus strand). VCF-style: chr2-144398768-A-T. GRCh37 (hg19) VCF-style: chr2-145156335-A-T.
Other names: c.2347T>A, p.Ser783Thr (NM_001171653.2); short protein forms S807T, S783T.
Identifiers: ClinVar variation 972300 (VCV000972300.10), dbSNP rs1703265317, ClinGen allele CA348708327.
Genomic context (GRCh38, chr2:144,398,768, plus strand): 5'-GTTCTTTCATTTGTTTTGGTAATGACAAGTCTAAAGGCTCAGCCTGGAGCTCCTCAGAAG[A>T]GAAGCTGTTTGGAGTGTATGAACTACTGTGGGAGTTTTTAGAAGATGTGGAGGAAAGATT-3'
Protein context (NP_055610.1, residues 797-817): HSSSYTPNSF[Ser807Thr]SEELQAEPLD

ClinVar aggregate classification (germline): Uncertain significance (1 of 4 stars; one submission).

Conditions:
Mowat-Wilson syndrome (MOWS). Also called: Classic Mowat-Wilson Syndrome. Identifiers: Orphanet 2152, MedGen C1856113, MONDO:0009341, OMIM 235730.

Submission:

Labcorp Genetics (formerly Invitae), Labcorp
Classification: Uncertain significance for Mowat-Wilson syndrome. Last evaluated: 2023-10-03. Review status: criteria provided, single submitter. Criteria: Invitae Variant Classification Sherloc (09022015). Collection method: clinical testing. Allele origin: germline.
Comment: This sequence change replaces serine, which is neutral and polar, with threonine, which is neutral and polar, at codon 807 of the ZEB2 protein (p.Ser807Thr). This variant is not present in population databases (gnomAD no frequency). This variant has not been reported in the literature in individuals affected with ZEB2-related conditions. ClinVar contains an entry for this variant (Variation ID: 972300). Advanced modeling of protein sequence and biophysical properties (such as structural, functional, and spatial information, amino acid conservation, physicochemical variation, residue mobility, and thermodynamic stability) performed at Invitae indicates that this missense variant is not expected to disrupt ZEB2 protein function. In summary, the available evidence is currently insufficient to determine the role of this variant in disease. Therefore, it has been classified as a Variant of Uncertain Significance.